The following is an entry in ClinVar:

ClinVar aggregate classification (germline): Uncertain significance (1 of 4 stars; one submission).

Submission:

Labcorp Genetics (formerly Invitae), Labcorp
Classification: Uncertain significance. Last evaluated: 2022-10-01. Review status: criteria provided, single submitter. Criteria: Invitae Variant Classification Sherloc (09022015). Collection method: clinical testing. Allele origin: germline.
Comment: In summary, the available evidence is currently insufficient to determine the role of this variant in disease. Therefore, it has been classified as a Variant of Uncertain Significance. Experimental studies and prediction algorithms are not available or were not evaluated, and the functional significance of this variant is currently unknown. This variant has not been reported in the literature in individuals affected with PIEZO1-related conditions. This variant results in a copy number gain of the genomic region encompassing exon(s) 28-36 of the PIEZO1 gene. While the exact position of this variant cannot be determined from the data, sub-genic copy number gains are generally in tandem (PMID: 25640679). This variant is predicted to be in-frame, and likely preserves the integrity of the reading frame.

Literature cited by the submitters: PubMed 25640679.

NC_000016.9:g.(?_88788606)_(88792112_?)dup

Gene: PIEZO1 (piezo type mechanosensitive ion channel component 1 (Er blood group); minus strand). Cytogenetic location: 16q24.3.
Variant type: Duplication.
Identifiers: ClinVar variation 2423878 (VCV002423878.4).